The following is an entry in ClinVar:

NM_206933.4(USH2A):c.14838G>T (p.Val4946=)

Gene: USH2A (usherin; minus strand). Cytogenetic location: 1q41.
Variant type: single nucleotide variant.
Coding change: c.14838G>T on transcript NM_206933.4 (MANE Select); coding-DNA position 14838, G replaced by T.
Protein change: p.Val4946=; no amino-acid change (valine 4946 retained).
Molecular consequence: synonymous variant.
Genome position (GRCh38, 1-based): chr1:215,640,688, C>A on the plus strand (G>T on the coding strand, the complement: USH2A is on the minus strand). VCF-style: chr1-215640688-C-A. GRCh37 (hg19) VCF-style: chr1-215814030-C-A.
Identifiers: ClinVar variation 666778 (VCV000666778.17), dbSNP rs949583594, ClinGen allele CA37380330.
Genomic context (GRCh38, chr1:215,640,688, plus strand): 5'-TAACACGTACTCCTTCAGTTGGCCGTTCAGGAGGAAGGTGTCACTCCAGTTCACACACAC[C>A]ACAGACAAATTGCTGTCCACCGAAAATGGGGCTCGGTACTGAGGCACTGTGGGGAGAAAG-3'
Protein context (NP_996816.3, residues 4936-4956): APFSVDSNLS[Val4946=]VCVNWSDTFL

ClinVar aggregate classification (germline): Likely benign. Review status: criteria provided, multiple submitters, no conflicts (2 of 4 stars). 5 submissions from 4 submitters: Likely benign (4). 1 of the submissions does not count toward it. Last evaluated 2024-06-17.

Conditions:
Retinitis pigmentosa 39 (RP39). Identifiers: Orphanet 791, MedGen C3151138, MONDO:0013436, OMIM 613809.
Usher syndrome type 2A. Also called: RETINAL DISEASE IN USHER SYNDROME TYPE IIA, MODIFIER OF; USHER SYNDROME, TYPE IIA. Identifiers: Orphanet 231178, Orphanet 886, MedGen C1848634, MONDO:0010169, OMIM 276901.

Allele frequency attached by ClinVar (database versions not stated): gnomAD exomes 0.00001.

Submissions (5):

Labcorp Genetics (formerly Invitae), Labcorp
Classification: Likely benign. Last evaluated: 2024-06-17. Review status: criteria provided, single submitter. Criteria: Invitae Variant Classification Sherloc (09022015). Collection method: clinical testing. Allele origin: germline.

Genome-Nilou Lab
Classification: Likely benign for Retinitis pigmentosa 39. Last evaluated: 2023-11-04. Review status: criteria provided, single submitter. Criteria: ACMG Guidelines, 2015. Collection method: clinical testing. Allele origin: germline. Affected: no.

Genome-Nilou Lab
Classification: Likely benign for Usher syndrome type 2A. Last evaluated: 2023-11-04. Review status: criteria provided, single submitter. Criteria: ACMG Guidelines, 2015. Collection method: clinical testing. Allele origin: germline. Affected: no.

Laboratory for Molecular Medicine, Mass General Brigham Personalized Medicine
Classification: Likely benign. Last evaluated: 2019-02-12. Review status: criteria provided, single submitter. Criteria: LMM Criteria. Collection method: clinical testing. Allele origin: germline. Observed: 1 variant allele.
Comment: The p.Val4946Val variant in USH2A is classified as likely benign because it does not alter an amino acid residue, it is not located within the splice consensus sequence, and splice prediction algorithms do not predict a newly created splice site. It has been identified in 0.007% (1/15382) of European chromosomes in gnomAD. ACMG/AMP Criteria applied: BP4, BP7.

Natera, Inc.
Classification: Likely benign for Usher syndrome type 2A. Last evaluated: 2020-05-01. Review status: no assertion criteria provided. Collection method: clinical testing. Allele origin: germline. Not counted in ClinVar's aggregate classification.